The following is an entry in ClinVar:

NM_001083962.2(TCF4):c.1032C>T (p.Asn344=)

Gene: TCF4 (transcription factor 4; minus strand). Cytogenetic location: 18q21.2.
Variant type: single nucleotide variant.
Coding change: c.1032C>T on transcript NM_001083962.2 (MANE Select); coding-DNA position 1032, C replaced by T.
Protein change: p.Asn344=; no amino-acid change (asparagine 344 retained).
Molecular consequence: synonymous variant.
Genome position (GRCh38, 1-based): chr18:55,259,986, G>A on the plus strand (C>T on the coding strand, the complement: TCF4 is on the minus strand). VCF-style: chr18-55259986-G-A. GRCh37 (hg19) VCF-style: chr18-52927217-G-A.
Other names: c.1338C>T, p.Asn446= (NM_001243226.3); c.960C>T, p.Asn320= (NM_001243227.2, NM_001306207.1, NM_001348217.1 and 9 more transcripts); c.1050C>T, p.Asn350= (NM_001243228.2); c.1026C>T, p.Asn342= (NM_001243230.2); c.906C>T, p.Asn302= (NM_001243231.2, NM_001348211.2); c.819C>T, p.Asn273= (NM_001243232.1, NM_001306208.1); c.642C>T, p.Asn214= (NM_001243233.2, NM_001330605.3, NM_001348212.2 and 1 more transcripts); c.552C>T, p.Asn184= (NM_001243234.2, NM_001243235.2, NM_001243236.2 and 2 more transcripts); and 4 more.
Identifiers: ClinVar variation 536805 (VCV000536805.15), dbSNP rs372738049, ClinGen allele CA8970314.
Genomic context (GRCh38, chr18:55,259,986, plus strand): 5'-AAATGGGATTTGAAATACACTACCTGAGAGAGATGGAGGAGAGCCAACAGGAGTTGAAGG[G>A]TTTGATGAAAAGCTGTTGTTAGTGTGATCTGGAGAATAGATCTTAAAACAATAAGGAGAA-3'
Protein context (NP_001077431.1, residues 334-354): PDHTNNSFSS[Asn344=]PSTPVGSPPS

ClinVar aggregate classification (germline): Likely benign. Review status: criteria provided, multiple submitters, no conflicts (2 of 4 stars). 3 submissions from 3 submitters: Likely benign (3). Last evaluated 2024-10-15.

Conditions:
Inborn genetic diseases. Identifiers: MedGen C0950123, MeSH D030342.
Pitt-Hopkins syndrome (PTHS). Also called: ENCEPHALOPATHY, SEVERE EPILEPTIC, WITH AUTONOMIC DYSFUNCTION; MENTAL RETARDATION, SYNDROMAL, WITH INTERMITTENT HYPERVENTILATION. Identifiers: Orphanet 2896, MedGen C1970431, MONDO:0012589, OMIM 610954.

Allele frequency attached by ClinVar (database versions not stated): gnomAD exomes below 0.00001 and 0.00001; gnomAD 0.00001; ExAC 0.00002; TOPMed 0.00002; ESP Exome Variant Server 0.00008; 1000 Genomes Project 0.00020; 1000 Genomes Project 30x 0.00031.
gnomAD v4.1: 6 of 1,613,262 alleles (0.00037%); highest among the groups gnomAD compares: African/African-American, 0.004%; no homozygotes.

Submissions (3):

Labcorp Genetics (formerly Invitae), Labcorp
Classification: Likely benign for Pitt-Hopkins syndrome. Last evaluated: 2024-10-15. Review status: criteria provided, single submitter. Criteria: Invitae Variant Classification Sherloc (09022015). Collection method: clinical testing. Allele origin: germline.

Ambry Genetics
Classification: Likely benign for Inborn genetic diseases. Last evaluated: 2019-03-28. Review status: criteria provided, single submitter. Criteria: Ambry Variant Classification Scheme 2023. Collection method: clinical testing. Allele origin: germline.

GeneDx
Classification: Likely benign. Last evaluated: 2018-05-22. Review status: criteria provided, single submitter. Criteria: GeneDx Variant Classification (06012015). Collection method: clinical testing. Allele origin: germline. Affected: yes.
Comment: This variant is considered likely benign or benign based on one or more of the following criteria: it is a conservative change, it occurs at a poorly conserved position in the protein, it is predicted to be benign by multiple in silico algorithms, and/or has population frequency not consistent with disease.